The following is an entry in ClinVar:

NM_001365536.1(SCN9A):c.19C>G (p.Pro7Ala)

Gene: SCN9A (sodium voltage-gated channel alpha subunit 9; minus strand). Cytogenetic location: 2q24.3.
Variant type: single nucleotide variant.
Coding change: c.19C>G on transcript NM_001365536.1 (MANE Select); coding-DNA position 19, C replaced by G.
Protein change: p.Pro7Ala; replaces proline 7 with alanine.
Molecular consequence: missense variant.
Genome position (GRCh38, 1-based): chr2:166,311,738, G>C on the plus strand (C>G on the coding strand, the complement: SCN9A is on the minus strand). VCF-style: chr2-166311738-G-C. GRCh37 (hg19) VCF-style: chr2-167168248-G-C.
Other names: c.19C>G, p.Pro7Ala (NM_002977.4); short protein forms P7A.
Identifiers: ClinVar variation 4782981 (VCV004782981.1).

ClinVar aggregate classification (germline): Uncertain significance (1 of 4 stars; one submission).

Conditions:
Neuropathy, hereditary sensory and autonomic, type 2A (HSAN2A). Also called: ACROOSTEOLYSIS, GIACCAI TYPE; ACROOSTEOLYSIS, NEUROGENIC; WNK1-Related HSAN2 (HSAN2A); NEUROPATHY, HEREDITARY SENSORY RADICULAR, AUTOSOMAL RECESSIVE; MORVAN DISEASE; NEUROPATHY, CONGENITAL SENSORY. Identifiers: Orphanet 970, MedGen C2752089, MONDO:0024309, OMIM 201300.
Generalized epilepsy with febrile seizures plus, type 7 (GEFSP7). Also called: GEFS+, TYPE 7. Identifiers: Orphanet 36387, MedGen C2751778, MONDO:0013470, OMIM 613863.

gnomAD v4.1: 2 of 1,604,520 alleles (0.00012%); highest among the groups gnomAD compares: Non-Finnish European, 0.00017%; no homozygotes.

Submission:

Labcorp Genetics (formerly Invitae), Labcorp
Classification: Uncertain significance for Neuropathy, hereditary sensory and autonomic, type 2A; Generalized epilepsy with febrile seizures plus, type 7. Last evaluated: 2025-07-09. Review status: criteria provided, single submitter. Criteria: Invitae Variant Classification Sherloc (09022015). Collection method: clinical testing. Allele origin: germline.
Comment: This sequence change replaces proline, which is neutral and non-polar, with alanine, which is neutral and non-polar, at codon 7 of the SCN9A protein (p.Pro7Ala). This variant is present in population databases (no rsID available, gnomAD 0.0009%). This variant has not been reported in the literature in individuals affected with SCN9A-related conditions. Invitae Evidence Modeling of protein sequence and biophysical properties (such as structural, functional, and spatial information, amino acid conservation, physicochemical variation, residue mobility, and thermodynamic stability) has been performed for this missense variant. However, the output from this modeling did not meet the statistical confidence thresholds required to predict the impact of this variant on SCN9A protein function. In summary, the available evidence is currently insufficient to determine the role of this variant in disease. Therefore, it has been classified as a Variant of Uncertain Significance.